The following is an entry in ClinVar:

ClinVar aggregate classification (germline): Uncertain significance (1 of 4 stars; one submission).

Submission:

GeneDx
Classification: Uncertain significance. Last evaluated: 2024-04-26. Review status: criteria provided, single submitter. Criteria: GeneDx Variant Classification Process June 2021. Collection method: clinical testing. Allele origin: germline. Affected: yes.
Comment: Not observed at significant frequency in large population cohorts (gnomAD); In silico analysis indicates that this missense variant does not alter protein structure/function; Has not been previously published as pathogenic or benign to our knowledge

NM_004281.4(BAG3):c.797T>A (p.Phe266Tyr)

Gene: BAG3 (BAG cochaperone 3; plus strand). Cytogenetic location: 10q26.11.
Variant type: single nucleotide variant.
Coding change: c.797T>A on transcript NM_004281.4 (MANE Select); coding-DNA position 797, T replaced by A.
Protein change: p.Phe266Tyr; replaces phenylalanine 266 with tyrosine.
Molecular consequence: missense variant.
Genome position (GRCh38, 1-based): chr10:119,672,544, T>A. VCF-style: chr10-119672544-T-A. GRCh37 (hg19) VCF-style: chr10-121432056-T-A.
Other names: short protein forms F266Y.
Identifiers: ClinVar variation 3373106 (VCV003373106.1).